The following is an entry in ClinVar:

ClinVar aggregate classification (germline): Uncertain significance. Review status: criteria provided, multiple submitters, no conflicts (2 of 4 stars). 4 submissions from 4 submitters: Uncertain significance (4). Last evaluated 2024-11-12.

Conditions:
Autosomal recessive limb-girdle muscular dystrophy type 2P. Also called: MUSCULAR DYSTROPHY, LIMB-GIRDLE, TYPE 2P; MUSCULAR DYSTROPHY-DYSTROGLYCANOPATHY, LIMB-GIRDLE, DAG1-RELATED; Limb-Girdle Muscular Dystrophy Type 9C. Identifiers: Orphanet 280333, MedGen C4511963, MONDO:0013440, OMIM 613818.
Muscular dystrophy-dystroglycanopathy (congenital with brain and eye anomalies), type A9. Also called: WALKER-WARBURG SYNDROME OR MUSCLE-EYE BRAIN DISEASE, DAG1-RELATED; Muscular dystrophy-dystroglycanopathy (congenital with brain and eye anomalies), type a, 9. Identifiers: Orphanet 370997, Orphanet 899, MedGen C4225291, MONDO:0014683, OMIM 616538.

Allele frequency attached by ClinVar (database versions not stated): ExAC 0.00006; ESP Exome Variant Server 0.00008; gnomAD 0.00017; 1000 Genomes Project 30x 0.00047; TOPMed 0.00055; 1000 Genomes Project 0.00060.
gnomAD v4.1: 75 of 1,614,064 alleles (0.0046%); highest among the groups gnomAD compares: Admixed American, 0.085%; no homozygotes.

Submissions (4):

GeneDx
Classification: Uncertain significance. Last evaluated: 2024-11-12. Review status: criteria provided, single submitter. Criteria: GeneDx Variant Classification Process June 2021. Collection method: clinical testing. Allele origin: germline. Affected: yes.
Comment: In silico analysis indicates that this missense variant does not alter protein structure/function; Has not been previously published as pathogenic or benign to our knowledge; This variant is associated with the following publications: (PMID: 30564623, 21388311)

Revvity Omics, Revvity
Classification: Uncertain significance. Last evaluated: 2023-07-11. Review status: criteria provided, single submitter. Criteria: ACMG Guidelines, 2015. Collection method: clinical testing. Allele origin: germline.

Labcorp Genetics (formerly Invitae), Labcorp
Classification: Uncertain significance for Autosomal recessive limb-girdle muscular dystrophy type 2P; Muscular dystrophy-dystroglycanopathy (congenital with brain and eye anomalies), type A9. Last evaluated: 2022-10-06. Review status: criteria provided, single submitter. Criteria: Invitae Variant Classification Sherloc (09022015). Collection method: clinical testing. Allele origin: germline.
Comment: This sequence change replaces arginine, which is basic and polar, with tryptophan, which is neutral and slightly polar, at codon 454 of the DAG1 protein (p.Arg454Trp). This variant is present in population databases (rs369872091, gnomAD 0.05%). This variant has not been reported in the literature in individuals affected with DAG1-related conditions. ClinVar contains an entry for this variant (Variation ID: 196381). Algorithms developed to predict the effect of missense changes on protein structure and function are either unavailable or do not agree on the potential impact of this missense change (SIFT: "Deleterious"; PolyPhen-2: "Possibly Damaging"; Align-GVGD: "Class C15"). In summary, the available evidence is currently insufficient to determine the role of this variant in disease. Therefore, it has been classified as a Variant of Uncertain Significance.

Eurofins Ntd Llc (ga)
Classification: Uncertain significance. Last evaluated: 2017-11-30. Review status: criteria provided, single submitter. Criteria: EGL Classification Definitions 2015. Collection method: clinical testing. Allele origin: germline. Observed: 4 variant alleles, 4 heterozygotes.

NM_004393.6(DAG1):c.1360C>T (p.Arg454Trp)

Gene: DAG1 (dystroglycan 1; plus strand). Cytogenetic location: 3p21.31.
Variant type: single nucleotide variant.
Coding change: c.1360C>T on transcript NM_004393.6 (MANE Select); coding-DNA position 1360, C replaced by T.
Protein change: p.Arg454Trp; replaces arginine 454 with tryptophan.
Molecular consequence: missense variant.
Genome position (GRCh38, 1-based): chr3:49,531,871, C>T. VCF-style: chr3-49531871-C-T. GRCh37 (hg19) VCF-style: chr3-49569304-C-T.
Other names: c.1360C>T, p.Arg454Trp (NM_001165928.4, NM_001177634.3, NM_001177635.3 and 9 more transcripts); short protein forms R454W.
Identifiers: ClinVar variation 196381 (VCV000196381.13), dbSNP rs369872091, ClinGen allele CA243303.
Genomic context (GRCh38, chr3:49,531,871, plus strand): 5'-CCAGCAACGCCTTCAACTGACTCCACCACCACCACGACTCGCAGGCCAACCAAGAAACCA[C>T]GGACACCCCGGCCAGTGCCCCGGGTCACCACCAAAGTTTCCATCACCAGATTGGAAACTG-3'
Protein context (NP_004384.5, residues 444-464): TTTRRPTKKP[Arg454Trp]TPRPVPRVTT